The following is an entry in ClinVar:

ClinVar aggregate classification (germline): Conflicting classifications of pathogenicity. Review status: criteria provided, conflicting classifications (1 of 4 stars). 2 submissions from 2 submitters: Uncertain significance (1); Likely benign (1). Last evaluated 2022-05-03.

Conditions:
Ataxia-telangiectasia syndrome (AT). Also called: LOUIS-BAR SYNDROME; Cerebello-oculocutaneous telangiectasia; Immunodeficiency with ataxia telangiectasia; Ataxia-telangiectasia, complementation group D; AT, COMPLEMENTATION GROUP C; ATAXIA-TELANGIECTASIA, COMPLEMENTATION GROUP A. Identifiers: Orphanet 100, MedGen C0004135, MONDO:0008840, OMIM 208900.
Hereditary cancer-predisposing syndrome. Also called: Tumor predisposition; Neoplastic Syndromes, Hereditary; Hereditary Cancer Syndrome; Hereditary neoplastic syndrome. Identifiers: Orphanet 140162, MedGen C0027672, MeSH D009386, MONDO:0015356.

Submissions (2):

Labcorp Genetics (formerly Invitae), Labcorp
Classification: Uncertain significance for Ataxia-telangiectasia syndrome. Last evaluated: 2022-05-03. Review status: criteria provided, single submitter. Criteria: Invitae Variant Classification Sherloc (09022015). Collection method: clinical testing. Allele origin: germline.
Comment: This sequence change affects codon 644 of the ATM mRNA. It is a 'silent' change, meaning that it does not change the encoded amino acid sequence of the ATM protein. This variant is not present in population databases (gnomAD no frequency). This variant has not been reported in the literature in individuals affected with ATM-related conditions. Algorithms developed to predict the effect of sequence changes on RNA splicing suggest that this variant may disrupt the consensus splice site. In summary, the available evidence is currently insufficient to determine the role of this variant in disease. Therefore, it has been classified as a Variant of Uncertain Significance.

Ambry Genetics
Classification: Likely benign for Hereditary cancer-predisposing syndrome. Last evaluated: 2021-10-10. Review status: criteria provided, single submitter. Criteria: Ambry Variant Classification Scheme 2023. Collection method: clinical testing. Allele origin: germline.

NM_000051.4(ATM):c.1932A>T (p.Ser644=)

Gene: ATM (ATM serine/threonine kinase; plus strand). Cytogenetic location: 11q22.3.
Variant type: single nucleotide variant.
Coding change: c.1932A>T on transcript NM_000051.4 (MANE Select); coding-DNA position 1932, A replaced by T.
Protein change: p.Ser644=; no amino-acid change (serine 644 retained).
Molecular consequence: synonymous variant.
Genome position (GRCh38, 1-based): chr11:108,253,847, A>T. VCF-style: chr11-108253847-A-T. GRCh37 (hg19) VCF-style: chr11-108124574-A-T.
Other names: c.1932A>T, p.Ser644= (NM_001351834.2).
Identifiers: ClinVar variation 1782904 (VCV001782904.7), dbSNP rs1241804364, ClinGen allele CA476672342.